The following is an entry in ClinVar:

ClinVar aggregate classification (germline): Uncertain significance (1 of 4 stars; one submission).

Allele frequency attached by ClinVar (database versions not stated): gnomAD 0.00001; TOPMed 0.00001.
gnomAD v4.1: 1 of 1,604,900 alleles (0.000062%); highest among the groups gnomAD compares: Admixed American, 0.0017%; no homozygotes.

Submission:

Labcorp Genetics (formerly Invitae), Labcorp
Classification: Uncertain significance. Last evaluated: 2024-01-06. Review status: criteria provided, single submitter. Criteria: Invitae Variant Classification Sherloc (09022015). Collection method: clinical testing. Allele origin: germline.
Comment: This sequence change replaces isoleucine, which is neutral and non-polar, with valine, which is neutral and non-polar, at codon 2403 of the DMXL2 protein (p.Ile2403Val). This variant is not present in population databases (gnomAD no frequency). This variant has not been reported in the literature in individuals affected with DMXL2-related conditions. Algorithms developed to predict the effect of missense changes on protein structure and function output the following: SIFT: "Not Available"; PolyPhen-2: "Benign"; Align-GVGD: "Not Available". The valine amino acid residue is found in multiple mammalian species, which suggests that this missense change does not adversely affect protein function. In summary, the available evidence is currently insufficient to determine the role of this variant in disease. Therefore, it has been classified as a Variant of Uncertain Significance.

NM_001378457.1(DMXL2):c.7207A>G (p.Ile2403Val)

Gene: DMXL2 (Dmx like 2; minus strand). Cytogenetic location: 15q21.2.
Variant type: single nucleotide variant.
Coding change: c.7207A>G on transcript NM_001378457.1 (MANE Select); coding-DNA position 7207, A replaced by G.
Protein change: p.Ile2403Val; replaces isoleucine 2403 with valine.
Molecular consequence: missense variant. On other transcripts: non-coding transcript variant (2).
Genome position (GRCh38, 1-based): chr15:51,474,350, T>C on the plus strand (A>G on the coding strand, the complement: DMXL2 is on the minus strand). VCF-style: chr15-51474350-T-C. GRCh37 (hg19) VCF-style: chr15-51766547-T-C.
Other names: c.7207A>G, p.Ile2403Val (NM_001174116.3, NM_001378459.1, NM_001378461.1 and 1 more transcripts); c.5296A>G, p.Ile1766Val (NM_001174117.3); c.7204A>G, p.Ile2402Val (NM_001378458.1, NM_001378462.1, NM_015263.5); c.5185A>G, p.Ile1729Val (NM_001378460.1); c.6964A>G, p.Ile2322Val (NM_001378464.1); short protein forms I1766V, I2322V, I1729V, I2402V, I2403V.
Identifiers: ClinVar variation 2991409 (VCV002991409.3), dbSNP rs1458675556, ClinGen allele CA392440882.